The following is an entry in ClinVar:

ClinVar aggregate classification (germline): Pathogenic/Likely pathogenic. Review status: criteria provided, multiple submitters, no conflicts (2 of 4 stars). 2 submissions from 2 submitters: Pathogenic (1); Likely pathogenic (1). Last evaluated 2023-12-21.

Submissions (2):

Mayo Clinic Laboratories, Mayo Clinic
Classification: Likely pathogenic. Last evaluated: 2023-12-21. Review status: criteria provided, single submitter. Criteria: ACMG Guidelines, 2015. Collection method: clinical testing. Allele origin: germline. Observed: 1 variant allele.
Comment: PM2, PVS1

Labcorp Genetics (formerly Invitae), Labcorp
Classification: Pathogenic. Last evaluated: 2023-01-15. Review status: criteria provided, single submitter. Criteria: Invitae Variant Classification Sherloc (09022015). Collection method: clinical testing. Allele origin: germline.
Comment: This variant disrupts a region of the LMX1B protein in which other variant(s) (p.Asn269Lys) have been determined to be pathogenic (PMID: 9590287; Invitae). This suggests that this is a clinically significant region of the protein, and that variants that disrupt it are likely to be disease-causing. This premature translational stop signal has been observed in individual(s) with nail-patella syndrome (Invitae). This variant is not present in population databases (gnomAD no frequency). This sequence change creates a premature translational stop signal (p.Ser259Argfs*93) in the LMX1B gene. While this is not anticipated to result in nonsense mediated decay, it is expected to disrupt the last 137 amino acid(s) of the LMX1B protein. For these reasons, this variant has been classified as Pathogenic.

Literature cited by the submitters: PubMed 9590287 (cited by Labcorp Genetics (formerly Invitae), Labcorp).

NM_001174147.2(LMX1B):c.776dup (p.Ser259fs)

Gene: LMX1B (LIM homeobox transcription factor 1 beta; plus strand). Cytogenetic location: 9q33.3.
Variant type: Duplication.
Coding change: c.776dup on transcript NM_001174147.2 (MANE Select); coding-DNA position 776, one base duplicated (G; older notation c.776dupG).
Protein change: p.Ser259fs; shifts the reading frame from serine 259.
Molecular consequence: frameshift variant.
Genome position (GRCh38, 1-based): chr9:126,693,558, G duplicated. VCF-style (leftmost placement, unchanged base first): chr9-126693557-A-AG. GRCh37 (hg19) VCF-style: chr9-129455836-A-AG.
Other names: p.Ser259Argfs*93; c.776dup, p.Ser259fs (NM_001174146.2, NM_002316.4); short protein forms S259fs.
Identifiers: ClinVar variation 2828948 (VCV002828948.4), dbSNP rs2490689134, ClinGen allele CA2739265033.